The following is an entry in ClinVar:

ClinVar aggregate classification (germline): Uncertain significance (1 of 4 stars; one submission).

Conditions:
Deficiency of alpha-mannosidase (MANSA). Also called: Mannosidosis, alpha-, types I and II; LYSOSOMAL ALPHA-D-MANNOSIDASE DEFICIENCY; Alpha-Mannosidosis. Identifiers: Orphanet 61, MedGen C0024748, MONDO:0009561, OMIM 248500.

Submission:

Labcorp Genetics (formerly Invitae), Labcorp
Classification: Uncertain significance for Deficiency of alpha-mannosidase. Last evaluated: 2022-08-12. Review status: criteria provided, single submitter. Criteria: Invitae Variant Classification Sherloc (09022015). Collection method: clinical testing. Allele origin: germline.
Comment: This sequence change falls in intron 21 of the MAN2B1 gene. It does not directly change the encoded amino acid sequence of the MAN2B1 protein. This variant is not present in population databases (gnomAD no frequency). This variant has not been reported in the literature in individuals affected with MAN2B1-related conditions. Algorithms developed to predict the effect of sequence changes on RNA splicing suggest that this variant may create or strengthen a splice site. In summary, the available evidence is currently insufficient to determine the role of this variant in disease. Therefore, it has been classified as a Variant of Uncertain Significance.

NM_000528.4(MAN2B1):c.2665-28_2665-9del

Gene: MAN2B1 (mannosidase alpha class 2B member 1; minus strand). Cytogenetic location: 19p13.13.
Variant type: Deletion.
Coding change: c.2665-28_2665-9del on transcript NM_000528.4 (MANE Select); 28 bases into the intron before coding-DNA position 2665 through 9 bases into the intron before coding-DNA position 2665, 20 bases deleted (CAACTCAGCCCCGCCCTCTC).
Molecular consequence: intron variant.
Genome position (GRCh38, 1-based): chr19:12,647,607-12,647,626, GAGAGGGCGGGGCTGAGTTG deleted on the plus strand (CAACTCAGCCCCGCCCTCTC on the coding strand, the reverse complement: MAN2B1 is on the minus strand); deleting any 20 consecutive bases within chr19:12,647,607-12,647,633 gives the same sequence; the c. name uses the placement nearest the transcript's 3' end. VCF-style (leftmost placement, unchanged base first): chr19-12647606-AGAGAGGGCGGGGCTGAGTTG-A. GRCh37 (hg19) VCF-style: chr19-12758420-AGAGAGGGCGGGGCTGAGTTG-A.
Other names: c.2662-28_2662-9del (NM_001173498.2).
Identifiers: ClinVar variation 2158104 (VCV002158104.1), dbSNP rs2512485255, ClinGen allele CA2580096515.